The following is an entry in ClinVar:

ClinVar aggregate classification (germline): Uncertain significance. Review status: criteria provided, multiple submitters, no conflicts (2 of 4 stars). 2 submissions from 2 submitters: Uncertain significance (2). Last evaluated 2026-06-11.

gnomAD v4.1: 7 of 1,613,368 alleles (0.00043%); highest among the groups gnomAD compares: Non-Finnish European, 0.00051%; no homozygotes.

Submissions (2):

Women's Health and Genetics/Laboratory Corporation of America, LabCorp
Classification: Uncertain significance. Last evaluated: 2026-06-11. Review status: criteria provided, single submitter. Criteria: LabCorp Variant Classification Summary - May 2015. Collection method: clinical testing. Allele origin: germline.
Comment: Variant summary: TRPA1 c.1254T>G (p.His418Gln) results in a non-conservative amino acid change in the encoded protein sequence. Algorithms developed to predict the effect of missense changes on protein structure and function are either unavailable or do not agree on the potential impact of this missense change. The variant allele was found at a frequency of 1.6e-05 in 249756 control chromosomes. The available data on variant occurrences in the general population are insufficient to allow any conclusion about variant significance. To our knowledge, no occurrence of c.1254T>G in individuals affected with TRPA1-related conditions and no experimental evidence demonstrating its impact on protein function have been reported. ClinVar contains an entry for this variant (Variation ID: 4191578). Based on the evidence outlined above, the variant was classified as uncertain significance.

Ambry Genetics
Classification: Uncertain significance. Last evaluated: 2025-06-17. Review status: criteria provided, single submitter. Criteria: Ambry Variant Classification Scheme 2023. Collection method: clinical testing. Allele origin: germline.

NM_007332.3(TRPA1):c.1254T>G (p.His418Gln)

Genes: MSC-AS1 (MSC antisense RNA 1; plus strand), TRPA1 (transient receptor potential cation channel subfamily A member 1; minus strand). Cytogenetic location: 8q21.11.
Variant type: single nucleotide variant.
Coding change: c.1254T>G on transcript NM_007332.3 (MANE Select); coding-DNA position 1254, T replaced by G.
Protein change: p.His418Gln; replaces histidine 418 with glutamine.
Molecular consequence: missense variant. On other transcripts: non-coding transcript variant (2).
Genome position (GRCh38, 1-based): chr8:72,055,796, A>C on the plus strand (T>G on the coding strand, the complement: TRPA1 is on the minus strand). VCF-style: chr8-72055796-A-C. GRCh37 (hg19) VCF-style: chr8-72968031-A-C.
Other names: short protein forms H418Q.
Identifiers: ClinVar variation 4191578 (VCV004191578.2).